The following is an entry in ClinVar:

ClinVar aggregate classification (germline): Uncertain significance (1 of 4 stars; one submission).

Conditions:
Acute myeloid leukemia (AML). Also called: Acute myeloid leukemia, adult; AML adult; Acute non-lymphocytic leukemia; Acute granulocytic leukemia; Leukemia, acute myelogenous, somatic; Leukemia, acute myeloid, somatic. Identifiers: Orphanet 519, MedGen C0023467, MeSH D015470, MONDO:0018874, OMIM 601626, HP:0004808. Disease mechanism: Constitutively activated FLT3.

Submission:

Labcorp Genetics (formerly Invitae), Labcorp
Classification: Uncertain significance for Acute myeloid leukemia. Last evaluated: 2020-01-13. Review status: criteria provided, single submitter. Criteria: Invitae Variant Classification Sherloc (09022015). Collection method: clinical testing. Allele origin: germline.
Comment: In summary, the available evidence is currently insufficient to determine the role of this variant in disease. Therefore, it has been classified as a Variant of Uncertain Significance. Algorithms developed to predict the effect of missense changes on protein structure and function are either unavailable or do not agree on the potential impact of this missense change (SIFT: "Deleterious"; PolyPhen-2: "Probably Damaging"; Align-GVGD: "Class C15"). This variant has not been reported in the literature in individuals with CEBPA-related conditions. This variant is not present in population databases (ExAC no frequency). This sequence change replaces phenylalanine with valine at codon 342 of the CEBPA protein (p.Phe342Val). The phenylalanine residue is highly conserved and there is a small physicochemical difference between phenylalanine and valine.

NM_004364.5(CEBPA):c.1024T>G (p.Phe342Val)

Gene: CEBPA (CCAAT enhancer binding protein alpha; minus strand). Cytogenetic location: 19q13.11.
Variant type: single nucleotide variant.
Coding change: c.1024T>G on transcript NM_004364.5 (MANE Select); coding-DNA position 1024, T replaced by G.
Protein change: p.Phe342Val; replaces phenylalanine 342 with valine.
Molecular consequence: missense variant.
Genome position (GRCh38, 1-based): chr19:33,301,391, A>C on the plus strand (T>G on the coding strand, the complement: CEBPA is on the minus strand). VCF-style: chr19-33301391-A-C. GRCh37 (hg19) VCF-style: chr19-33792297-A-C.
Other names: c.667T>G, p.Phe223Val (NM_001285829.2); c.1129T>G, p.Phe377Val (NM_001287424.2); c.982T>G, p.Phe328Val (NM_001287435.2); short protein forms F223V, F328V, F342V, F377V.
Identifiers: ClinVar variation 1014480 (VCV001014480.9), dbSNP rs1967158283, ClinGen allele CA405273701.